The following is an entry in ClinVar:

ClinVar aggregate classification (germline): Uncertain significance. Review status: criteria provided, multiple submitters, no conflicts (2 of 4 stars). 3 submissions from 3 submitters: Uncertain significance (3). Last evaluated 2025-06-12.

Conditions:
Inborn genetic diseases. Identifiers: MedGen C0950123, MeSH D030342.

Allele frequency attached by ClinVar (database versions not stated): gnomAD exomes 0.00009 and 0.00022; 1000 Genomes Project 30x 0.00016; 1000 Genomes Project 0.00020; ExAC 0.00020; ESP Exome Variant Server 0.00023; gnomAD 0.00042 and 0.00046; TOPMed 0.00049.

Submissions (4):

Labcorp Genetics (formerly Invitae), Labcorp
Classification: Uncertain significance. Last evaluated: 2025-06-12. Review status: criteria provided, single submitter. Criteria: Invitae Variant Classification Sherloc (09022015). Collection method: clinical testing. Allele origin: germline.
Comment: This sequence change replaces methionine, which is neutral and non-polar, with valine, which is neutral and non-polar, at codon 188 of the FAM20A protein (p.Met188Val). This variant is present in population databases (rs142195014, gnomAD 0.2%). This variant has not been reported in the literature in individuals affected with FAM20A-related conditions. ClinVar contains an entry for this variant (Variation ID: 1476030). An algorithm developed to predict the effect of missense changes on protein structure and function (PolyPhen-2) suggests that this variant is likely to be tolerated. In summary, the available evidence is currently insufficient to determine the role of this variant in disease. Therefore, it has been classified as a Variant of Uncertain Significance.

Blueprint Genetics
Classification: Uncertain significance. Last evaluated: 2024-11-23. Review status: criteria provided, single submitter. Criteria: ACMG Guidelines, 2015. Collection method: clinical testing. Allele origin: germline.

Ambry Genetics
Classification: Uncertain significance for Inborn genetic diseases. Last evaluated: 2022-08-11. Review status: criteria provided, single submitter. Criteria: Ambry Variant Classification Scheme 2023. Collection method: clinical testing. Allele origin: germline.

Dr. Peter K. Rogan Lab, Western University
No classification provided (evidence only). Condition: Ovarian serous cystadenocarcinoma. Review status: no classification provided. Collection method: in vitro. Allele origin: not applicable. Functional consequence: retained intron. Not counted in ClinVar's aggregate classification.

NM_017565.4(FAM20A):c.562A>G (p.Met188Val)

Gene: FAM20A (FAM20A golgi associated secretory pathway pseudokinase; minus strand). Cytogenetic location: 17q24.2.
Variant type: single nucleotide variant.
Coding change: c.562A>G on transcript NM_017565.4 (MANE Select); coding-DNA position 562, A replaced by G.
Protein change: p.Met188Val; replaces methionine 188 with valine.
Molecular consequence: missense variant. On other transcripts: non-coding transcript variant (1).
Genome position (GRCh38, 1-based): chr17:68,555,586, T>C on the plus strand (A>G on the coding strand, the complement: FAM20A is on the minus strand). VCF-style: chr17-68555586-T-C. GRCh37 (hg19) VCF-style: chr17-66551727-T-C.
Other names: c.148A>G, p.Met50Val (NM_001243746.2); c.562A>G (NM_017565.3); short protein forms M50V, M188V.
Identifiers: ClinVar variation 1476030 (VCV001476030.7), dbSNP rs142195014, ClinGen allele CA8730042.